The following is an entry in ClinVar:

NM_001134673.4(NFIA):c.1255-8C>A

Gene: NFIA (nuclear factor I A; plus strand). Cytogenetic location: 1p31.3.
Variant type: single nucleotide variant.
Coding change: c.1255-8C>A on transcript NM_001134673.4 (MANE Select); 8 bases into the intron before coding-DNA position 1255, C replaced by A.
Molecular consequence: intron variant.
Genome position (GRCh38, 1-based): chr1:61,406,554, C>A. VCF-style: chr1-61406554-C-A. GRCh37 (hg19) VCF-style: chr1-61872226-C-A.
Other names: c.1231-8C>A (NM_001145511.2); c.1390-8C>A (NM_001145512.2); c.1255-8C>A (NM_005595.5).
Identifiers: ClinVar variation 714439 (VCV000714439.30), dbSNP rs199806380, ClinGen allele CA881241.

ClinVar aggregate classification (germline): Likely benign. Review status: criteria provided, multiple submitters, no conflicts (2 of 4 stars). 2 submissions from 2 submitters: Likely benign (2). Last evaluated 2023-05-01.

Submissions (2):

CeGaT Center for Human Genetics Tuebingen
Classification: Likely benign. Last evaluated: 2023-05-01. Review status: criteria provided, single submitter. Criteria: CeGaT Center For Human Genetics Tuebingen Variant Classification Criteria Version 2. Collection method: clinical testing. Allele origin: germline. Affected: yes. Observed: 1 variant allele.
Comment: NFIA: BP4

Labcorp Genetics (formerly Invitae), Labcorp
Classification: Likely benign. Last evaluated: 2017-11-14. Review status: criteria provided, single submitter. Criteria: Invitae Variant Classification Sherloc (09022015). Collection method: clinical testing. Allele origin: germline.